The following is an entry in ClinVar:

ClinVar aggregate classification (germline): Uncertain significance. Review status: criteria provided, multiple submitters, no conflicts (2 of 4 stars). 6 submissions from 6 submitters: Uncertain significance (6). Last evaluated 2022-11-30.

Conditions:
Familial hemophagocytic lymphohistiocytosis 3 (FHL3). Also called: UNC13D-Related Familial Hemophagocytic Lymphohistiocytosis (UNC13D-fHLH). Identifiers: Orphanet 540, MedGen C1837174, MONDO:0012146, OMIM 608898.

Allele frequency attached by ClinVar (database versions not stated): gnomAD exomes 0.00009 and 0.00016; gnomAD 0.00012; TOPMed 0.00014; ESP Exome Variant Server 0.00016; ExAC 0.00023.
gnomAD v4.1: 156 of 1,568,842 alleles (0.0099%); highest among the groups gnomAD compares: Admixed American, 0.02%; no homozygotes.

Submissions (6):

Department of Pathology and Laboratory Medicine, Sinai Health System
Classification: Uncertain significance for Familial hemophagocytic lymphohistiocytosis 3. Last evaluated: 2022-11-30. Review status: criteria provided, single submitter. Criteria: ACMG Guidelines, 2015. Collection method: research. Allele origin: germline.

Labcorp Genetics (formerly Invitae), Labcorp
Classification: Uncertain significance for Familial hemophagocytic lymphohistiocytosis 3. Last evaluated: 2022-10-25. Review status: criteria provided, single submitter. Criteria: Invitae Variant Classification Sherloc (09022015). Collection method: clinical testing. Allele origin: germline.
Comment: This sequence change replaces valine, which is neutral and non-polar, with methionine, which is neutral and non-polar, at codon 731 of the UNC13D protein (p.Val731Met). This variant is present in population databases (rs377549461, gnomAD 0.03%). This missense change has been observed in individual(s) with hemophagocytic lymphohistiocytosis and with anaplastic large cell lymphoma (PMID: 16278825, 24309606). ClinVar contains an entry for this variant (Variation ID: 596208). Advanced modeling of protein sequence and biophysical properties (such as structural, functional, and spatial information, amino acid conservation, physicochemical variation, residue mobility, and thermodynamic stability) performed at Invitae indicates that this missense variant is not expected to disrupt UNC13D protein function. In summary, the available evidence is currently insufficient to determine the role of this variant in disease. Therefore, it has been classified as a Variant of Uncertain Significance.

Women's Health and Genetics/Laboratory Corporation of America, LabCorp
Classification: Uncertain significance. Last evaluated: 2022-08-14. Review status: criteria provided, single submitter. Criteria: LabCorp Variant Classification Summary - May 2015. Collection method: clinical testing. Allele origin: germline.
Comment: Variant summary: UNC13D c.2191G>A (p.Val731Met) results in a conservative amino acid change located in the MUN domain (IPR010439) of the encoded protein sequence. Three of five in-silico tools predict a damaging effect of the variant on protein function. The variant allele was found at a frequency of 0.00016 in 176394 control chromosomes. This frequency is not significantly higher than expected for a pathogenic variant in UNC13D causing Familial Hemophagocytic Lymphohistiocytosis (0.00016 vs 0.0027), allowing no conclusion about variant significance. c.2191G>A has been reported in the literature as a non-informative genotype (second allele not specified) in at-least one individual affected with Familial Hemophagocytic Lymphohistiocytosis (example, Stadt_2006). These report(s) do not provide unequivocal conclusions about association of the variant with Familial Hemophagocytic Lymphohistiocytosis. To our knowledge, no experimental evidence demonstrating an impact on protein function has been reported. Three clinical diagnostic laboratories have submitted clinical-significance assessments for this variant to ClinVar after 2014 without evidence for independent evaluation. All laboratories classified the variant as uncertain significance. Based on the evidence outlined above, the variant was classified as uncertain significance.

CeGaT Center for Human Genetics Tuebingen
Classification: Uncertain significance. Last evaluated: 2018-06-01. Review status: criteria provided, single submitter. Criteria: CeGaT Center For Human Genetics Tuebingen Variant Classification Criteria Version 2. Collection method: clinical testing. Allele origin: germline. Affected: yes. Observed: 1 variant allele.

Eurofins Ntd Llc (ga)
Classification: Uncertain significance. Last evaluated: 2018-02-26. Review status: criteria provided, single submitter. Criteria: EGL ClinVar v180209 classification definitions. Collection method: clinical testing. Allele origin: germline. Observed: 1 variant allele, 1 heterozygote.

Breakthrough Genomics
Classification: Uncertain significance. Review status: criteria provided, single submitter. Criteria: ACMG Guidelines, 2015. Collection method: not provided. Allele origin: germline. Inheritance: Autosomal recessive inheritance. Affected: yes.

Literature cited by the submitters: PubMed 16278825 (cited by Labcorp Genetics (formerly Invitae), Labcorp and Women's Health and Genetics/Laboratory Corporation of America, LabCorp); PubMed 24309606 (cited by Labcorp Genetics (formerly Invitae), Labcorp); PubMed 29549174 (cited by Women's Health and Genetics/Laboratory Corporation of America, LabCorp).

NM_199242.3(UNC13D):c.2191G>A (p.Val731Met)

Gene: UNC13D (unc-13 homolog D; minus strand). Cytogenetic location: 17q25.1.
Variant type: single nucleotide variant.
Coding change: c.2191G>A on transcript NM_199242.3 (MANE Select); coding-DNA position 2191, G replaced by A.
Protein change: p.Val731Met; replaces valine 731 with methionine.
Molecular consequence: missense variant.
Genome position (GRCh38, 1-based): chr17:75,834,432, C>T on the plus strand (G>A on the coding strand, the complement: UNC13D is on the minus strand). VCF-style: chr17-75834432-C-T. GRCh37 (hg19) VCF-style: chr17-73830513-C-T.
Other names: short protein forms V731M.
Identifiers: ClinVar variation 596208 (VCV000596208.56), dbSNP rs377549461, ClinGen allele CA8772643.
Genomic context (GRCh38, chr17:75,834,432, plus strand): 5'-CGGCCAGCGCGCTCTGCAGCTGGGCATGCAGCGTGTTCTGCAGCTGCCCCTGCTCCAGCA[C>T]GGCCCCTACCCGCTGCTCCAGGGCCTCCCATGCCAGCTGGGCGGGCAACTTGCCGATCAC-3'
Protein context (NP_954712.1, residues 721-741): WEALEQRVGA[Val731Met]LEQGQLQNTL